The following is an entry in ClinVar:

NM_024809.5(TCTN2):c.76G>T (p.Asp26Tyr)

Gene: TCTN2 (tectonic family member 2; plus strand). Cytogenetic location: 12q24.31.
Variant type: single nucleotide variant.
Coding change: c.76G>T on transcript NM_024809.5 (MANE Select); coding-DNA position 76, G replaced by T.
Protein change: p.Asp26Tyr; replaces aspartic acid 26 with tyrosine.
Molecular consequence: missense variant.
Genome position (GRCh38, 1-based): chr12:123,671,316, G>T. VCF-style: chr12-123671316-G-T. GRCh37 (hg19) VCF-style: chr12-124155863-G-T.
Other names: c.76G>T, p.Asp26Tyr (NM_001143850.3); short protein forms D26Y.
Identifiers: ClinVar variation 882803 (VCV000882803.10), dbSNP rs147746146, ClinGen allele CA6860760.

ClinVar aggregate classification (germline): Uncertain significance. Review status: criteria provided, multiple submitters, no conflicts (2 of 4 stars). 5 submissions from 4 submitters: Uncertain significance (5). Last evaluated 2025-01-06.

Conditions:
Joubert syndrome 24 (JBTS24). Identifiers: Orphanet 475, MedGen C4084841, MONDO:0014724, OMIM 616654.
Meckel syndrome, type 8. Identifiers: Orphanet 564, MedGen C3836857, MONDO:0013482, OMIM 613885.
Joubert syndrome. Also called: JOUBERT-BOLTSHAUSER SYNDROME; Familial aplasia of the vermis. Identifiers: Orphanet 475, MedGen C5979921, MONDO:0018772.
Meckel-Gruber syndrome. Also called: GRUBER SYNDROME; Dysencephalia splachnocystica; DYSENCEPHALIA SPLANCHNOCYSTICA. Identifiers: Orphanet 564, MedGen C0265215, MONDO:0018921.

Allele frequency attached by ClinVar (database versions not stated): gnomAD 0.00006 and 0.00007; ExAC 0.00009; gnomAD exomes 0.00009 and 0.00013; TOPMed 0.00011; ESP Exome Variant Server 0.00015; 1000 Genomes Project 30x 0.00047; 1000 Genomes Project 0.00060.
gnomAD v4.1: 193 of 1,613,768 alleles (0.012%); highest among the groups gnomAD compares: Middle Eastern, 0.033%; no homozygotes.

Submissions (5):

Labcorp Genetics (formerly Invitae), Labcorp
Classification: Uncertain significance for Joubert syndrome; Meckel-Gruber syndrome. Last evaluated: 2025-01-06. Review status: criteria provided, single submitter. Criteria: Invitae Variant Classification Sherloc (09022015). Collection method: clinical testing. Allele origin: germline.
Comment: This sequence change replaces aspartic acid, which is acidic and polar, with tyrosine, which is neutral and polar, at codon 26 of the TCTN2 protein (p.Asp26Tyr). This variant is present in population databases (rs147746146, gnomAD 0.02%). This variant has not been reported in the literature in individuals affected with TCTN2-related conditions. ClinVar contains an entry for this variant (Variation ID: 882803). Experimental studies and prediction algorithms are not available or were not evaluated, and the functional significance of this variant is currently unknown. In summary, the available evidence is currently insufficient to determine the role of this variant in disease. Therefore, it has been classified as a Variant of Uncertain Significance.

Blueprint Genetics
Classification: Uncertain significance. Last evaluated: 2024-10-01. Review status: criteria provided, single submitter. Criteria: ACMG Guidelines, 2015. Collection method: clinical testing. Allele origin: germline.

Fulgent Genetics
Classification: Uncertain significance for Meckel syndrome, type 8; Joubert syndrome 24. Last evaluated: 2024-01-30. Review status: criteria provided, single submitter. Criteria: ACMG Guidelines, 2015. Collection method: clinical testing. Allele origin: germline.

Illumina Laboratory Services, Illumina
Classification: Uncertain significance for Meckel syndrome, type 8. Last evaluated: 2017-04-28. Review status: criteria provided, single submitter. Criteria: ICSL Variant Classification Criteria 13 December 2019. Collection method: clinical testing. Allele origin: germline.

Illumina Laboratory Services, Illumina
Classification: Uncertain significance for Joubert syndrome 24. Last evaluated: 2017-04-28. Review status: criteria provided, single submitter. Criteria: ICSL Variant Classification Criteria 13 December 2019. Collection method: clinical testing. Allele origin: germline.